The following is an entry in ClinVar:

ClinVar aggregate classification (germline): Likely benign. Review status: criteria provided, multiple submitters, no conflicts (2 of 4 stars). 4 submissions from 4 submitters: Likely benign (4). Last evaluated 2025-09-02.

Conditions:
Inborn genetic diseases. Identifiers: MedGen C0950123, MeSH D030342.
Intellectual developmental disorder, autosomal dominant 6, with or without seizures. Also called: Intellectual disability, autosomal dominant 6; GRIN2B-related developmental delay, intellectual disability and autism spectrum disorder. Identifiers: Orphanet 589547, MedGen C3151411, MONDO:0013509, OMIM 613970.
Developmental and epileptic encephalopathy, 27 (DEE27). Also called: GRIN2B-Related Neurodevelopmental Disorder; Epileptic encephalopathy, early infantile, 27. Identifiers: Orphanet 3451, MedGen C4015316, MONDO:0014505, OMIM 616139.

Allele frequency attached by ClinVar (database versions not stated): TOPMed 0.00003; gnomAD 0.00006; ExAC 0.00007; gnomAD exomes 0.00009.
gnomAD v4.1: 88 of 1,611,750 alleles (0.0055%); highest among the groups gnomAD compares: Middle Eastern, 0.016%; 1 homozygote.

Submissions (4):

Labcorp Genetics (formerly Invitae), Labcorp
Classification: Likely benign for Developmental and epileptic encephalopathy, 27; Intellectual developmental disorder, autosomal dominant 6, with or without seizures. Last evaluated: 2025-09-02. Review status: criteria provided, single submitter. Criteria: Invitae Variant Classification Sherloc (09022015). Collection method: clinical testing. Allele origin: germline.

CeGaT Center for Human Genetics Tuebingen
Classification: Likely benign. Last evaluated: 2024-06-01. Review status: criteria provided, single submitter. Criteria: CeGaT Center For Human Genetics Tuebingen Variant Classification Criteria Version 2. Collection method: clinical testing. Allele origin: germline. Affected: yes. Observed: 1 variant allele.
Comment: GRIN2B: BP4, BP7

Blueprint Genetics
Classification: Likely benign. Last evaluated: 2022-11-07. Review status: criteria provided, single submitter. Criteria: ACMG Guidelines, 2015. Collection method: clinical testing. Allele origin: germline.

Ambry Genetics
Classification: Likely benign for Inborn genetic diseases. Last evaluated: 2017-03-23. Review status: criteria provided, single submitter. Criteria: Ambry Variant Classification Scheme 2023. Collection method: clinical testing. Allele origin: germline.

NM_000834.5(GRIN2B):c.1080G>A (p.Pro360=)

Gene: GRIN2B (glutamate ionotropic receptor NMDA type subunit 2B; minus strand). Cytogenetic location: 12p13.1.
Variant type: single nucleotide variant.
Coding change: c.1080G>A on transcript NM_000834.5 (MANE Select); coding-DNA position 1080, G replaced by A.
Protein change: p.Pro360=; no amino-acid change (proline 360 retained).
Molecular consequence: synonymous variant.
Genome position (GRCh38, 1-based): chr12:13,675,790, C>T on the plus strand (G>A on the coding strand, the complement: GRIN2B is on the minus strand). VCF-style: chr12-13675790-C-T. GRCh37 (hg19) VCF-style: chr12-13828724-C-T.
Identifiers: ClinVar variation 589757 (VCV000589757.33), dbSNP rs201952040, ClinGen allele CA6461312.